The following is an entry in ClinVar:

ClinVar aggregate classification (germline): Likely benign. Review status: criteria provided, multiple submitters, no conflicts (2 of 4 stars). 3 submissions from 3 submitters: Likely benign (3). Last evaluated 2025-12-22.

Conditions:
EVC2-related disorder. Also called: EVC2-related condition.
Ellis-van Creveld syndrome (EVC). Also called: MESOECTODERMAL DYSPLASIA; Chondroectodermal dysplasia. Identifiers: Orphanet 289, MedGen C0013903, MONDO:0009162, OMIM 225500.
Curry-Hall syndrome (WAD). Also called: WEYERS ACRODENTAL DYSOSTOSIS. Identifiers: Orphanet 952, MedGen C0457013, MONDO:0008673, OMIM 193530.

Allele frequency attached by ClinVar (database versions not stated): ExAC 0.00001; gnomAD exomes 0.00002 and 0.00004; TOPMed 0.00005; gnomAD 0.00007 and 0.00008.
gnomAD v4.1: 66 of 1,613,882 alleles (0.0041%); highest among the groups gnomAD compares: Non-Finnish European, 0.0054%; no homozygotes.

Submissions (3):

Labcorp Genetics (formerly Invitae), Labcorp
Classification: Likely benign for Curry-Hall syndrome; Ellis-van Creveld syndrome. Last evaluated: 2025-12-22. Review status: criteria provided, single submitter. Criteria: Invitae Variant Classification Sherloc (09022015). Collection method: clinical testing. Allele origin: germline.

PreventionGenetics, part of Exact Sciences
Classification: Likely benign for EVC2-related condition. Last evaluated: 2025-09-03. Review status: criteria provided, single submitter. Criteria: ACMG Guidelines, 2015. Collection method: clinical testing. Allele origin: germline.
Comment: This variant is classified as likely benign based on ACMG/AMP sequence variant interpretation guidelines (Richards et al. 2015 PMID: 25741868, with internal and published modifications).

GeneDx
Classification: Likely benign. Last evaluated: 2021-05-28. Review status: criteria provided, single submitter. Criteria: GeneDx Variant Classification Process June 2021. Collection method: clinical testing. Allele origin: germline. Affected: yes.

NM_147127.5(EVC2):c.520-6C>T

Gene: EVC2 (EvC ciliary complex subunit 2; minus strand). Cytogenetic location: 4p16.2.
Variant type: single nucleotide variant.
Coding change: c.520-6C>T on transcript NM_147127.5 (MANE Select); 6 bases into the intron before coding-DNA position 520, C replaced by T.
Molecular consequence: intron variant.
Genome position (GRCh38, 1-based): chr4:5,689,349, G>A on the plus strand (C>T on the coding strand, the complement: EVC2 is on the minus strand). VCF-style: chr4-5689349-G-A. GRCh37 (hg19) VCF-style: chr4-5691076-G-A.
Other names: c.280-6C>T (NM_001166136.2).
Identifiers: ClinVar variation 513844 (VCV000513844.13), dbSNP rs747479747, ClinGen allele CA2835413.